The following is an entry in ClinVar:

ClinVar aggregate classification (germline): Uncertain significance (1 of 4 stars; one submission).

gnomAD v4.1: 1 of 1,458,928 alleles (0.000069%); highest among the groups gnomAD compares: Non-Finnish European, 0.00009%; no homozygotes.

Submission:

Labcorp Genetics (formerly Invitae), Labcorp
Classification: Uncertain significance. Last evaluated: 2022-05-06. Review status: criteria provided, single submitter. Criteria: Invitae Variant Classification Sherloc (09022015). Collection method: clinical testing. Allele origin: germline.
Comment: In summary, the available evidence is currently insufficient to determine the role of this variant in disease. Therefore, it has been classified as a Variant of Uncertain Significance. Algorithms developed to predict the effect of missense changes on protein structure and function output the following: SIFT: "Deleterious"; PolyPhen-2: "Benign"; Align-GVGD: "Class C0". The threonine amino acid residue is found in multiple mammalian species, which suggests that this missense change does not adversely affect protein function. This variant has not been reported in the literature in individuals affected with ABHD12-related conditions. This variant is not present in population databases (gnomAD no frequency). This sequence change replaces alanine, which is neutral and non-polar, with threonine, which is neutral and polar, at codon 26 of the ABHD12 protein (p.Ala26Thr).

NM_001042472.3(ABHD12):c.76G>A (p.Ala26Thr)

Genes: ABHD12 (abhydrolase domain containing 12, lysophospholipase; minus strand), LOC130065586 (ATAC-STARR-seq lymphoblastoid silent region 12752; plus strand). Cytogenetic location: 20p11.21.
Variant type: single nucleotide variant.
Coding change: c.76G>A on transcript NM_001042472.3 (MANE Select); coding-DNA position 76, G replaced by A.
Protein change: p.Ala26Thr; replaces alanine 26 with threonine.
Molecular consequence: missense variant.
Genome position (GRCh38, 1-based): chr20:25,390,628, C>T on the plus strand (G>A on the coding strand, the complement: ABHD12 is on the minus strand). VCF-style: chr20-25390628-C-T. GRCh37 (hg19) VCF-style: chr20-25371264-C-T.
Other names: c.76G>A, p.Ala26Thr (NM_015600.5); short protein forms A26T.
Identifiers: ClinVar variation 2134653 (VCV002134653.4), dbSNP rs1568785807, ClinGen allele CA408445248.